The following is an entry in ClinVar:

NM_015488.5(PNKD):c.583G>A (p.Gly195Arg)

Genes: CATIP-AS2 (CATIP antisense RNA 2; minus strand), PNKD (PNKD metallo-beta-lactamase domain containing; plus strand). Cytogenetic location: 2q35.
Variant type: single nucleotide variant.
Coding change: c.583G>A on transcript NM_015488.5 (MANE Select); coding-DNA position 583, G replaced by A.
Protein change: p.Gly195Arg; replaces glycine 195 with arginine.
Molecular consequence: missense variant.
Genome position (GRCh38, 1-based): chr2:218,341,592, G>A. VCF-style: chr2-218341592-G-A. GRCh37 (hg19) VCF-style: chr2-219206315-G-A.
Other names: c.511G>A, p.Gly171Arg (NM_022572.5); short protein forms G171R, G195R.
Identifiers: ClinVar variation 1055499 (VCV001055499.13), dbSNP rs554148467, ClinGen allele CA2104019.

ClinVar aggregate classification (germline): Uncertain significance. Review status: criteria provided, multiple submitters, no conflicts (2 of 4 stars). 4 submissions from 4 submitters: Uncertain significance (4). Last evaluated 2025-04-30.

Conditions:
Paroxysmal nonkinesigenic dyskinesia. Also called: Paroxysmal non-kinesigenic dyskinesia. Identifiers: Orphanet 98810, MedGen C1869117, MONDO:0700088.
PNKD-related disorder. Also called: PNKD-related condition.
Inborn genetic diseases. Identifiers: MedGen C0950123, MeSH D030342.

Allele frequency attached by ClinVar (database versions not stated): gnomAD 0.00001 and 0.00002; gnomAD exomes 0.00001; TOPMed 0.00002; 1000 Genomes Project 30x 0.00016; 1000 Genomes Project 0.00020.
gnomAD v4.1: 16 of 1,593,886 alleles (0.001%); highest among the groups gnomAD compares: East Asian, 0.0069%; no homozygotes.

Submissions (4):

PreventionGenetics, part of Exact Sciences
Classification: Uncertain significance for PNKD-related condition. Last evaluated: 2025-04-30. Review status: criteria provided, single submitter. Criteria: ACMG Guidelines, 2015. Collection method: clinical testing. Allele origin: germline.
Comment: The PNKD c.583G>A variant is predicted to result in the amino acid substitution p.Gly195Arg. To our knowledge, this variant has not been reported in the literature. This variant is reported in 0.0056% of alleles in individuals of East Asian descent in gnomAD. At this time, the clinical significance of this variant is uncertain due to the absence of conclusive functional and genetic evidence.

Labcorp Genetics (formerly Invitae), Labcorp
Classification: Uncertain significance for Paroxysmal nonkinesigenic dyskinesia. Last evaluated: 2025-02-24. Review status: criteria provided, single submitter. Criteria: Invitae Variant Classification Sherloc (09022015). Collection method: clinical testing. Allele origin: germline.
Comment: This sequence change replaces glycine, which is neutral and non-polar, with arginine, which is basic and polar, at codon 195 of the PNKD protein (p.Gly195Arg). The frequency data for this variant in the population databases is considered unreliable, as metrics indicate poor data quality at this position in the gnomAD database. This variant has not been reported in the literature in individuals affected with PNKD-related conditions. ClinVar contains an entry for this variant (Variation ID: 1055499). Invitae Evidence Modeling of protein sequence and biophysical properties (such as structural, functional, and spatial information, amino acid conservation, physicochemical variation, residue mobility, and thermodynamic stability) indicates that this missense variant is expected to disrupt PNKD protein function with a positive predictive value of 80%. In summary, the available evidence is currently insufficient to determine the role of this variant in disease. Therefore, it has been classified as a Variant of Uncertain Significance.

Ambry Genetics
Classification: Uncertain significance for Inborn genetic diseases. Last evaluated: 2023-02-23. Review status: criteria provided, single submitter. Criteria: Ambry Variant Classification Scheme 2023. Collection method: clinical testing. Allele origin: germline.

GeneDx
Classification: Uncertain significance. Last evaluated: 2019-05-21. Review status: criteria provided, single submitter. Criteria: GeneDx Variant Classification Process June 2021. Collection method: clinical testing. Allele origin: germline. Affected: yes.
Comment: In silico analysis, which includes protein predictors and evolutionary conservation, supports a deleterious effect; Has not been previously published as pathogenic or benign to our knowledge